The following is an entry in ClinVar:

NM_000742.4(CHRNA2):c.962C>T (p.Thr321Ile)

Gene: CHRNA2 (cholinergic receptor nicotinic alpha 2 subunit; minus strand). Cytogenetic location: 8p21.2.
Variant type: single nucleotide variant.
Coding change: c.962C>T on transcript NM_000742.4 (MANE Select); coding-DNA position 962, C replaced by T.
Protein change: p.Thr321Ile; replaces threonine 321 with isoleucine.
Molecular consequence: missense variant.
Genome position (GRCh38, 1-based): chr8:27,463,481, G>A on the plus strand (C>T on the coding strand, the complement: CHRNA2 is on the minus strand). VCF-style: chr8-27463481-G-A. GRCh37 (hg19) VCF-style: chr8-27320998-G-A.
Other names: c.917C>T, p.Thr306Ile (NM_001282455.2); c.485C>T, p.Thr162Ile (NM_001347705.2, NM_001347706.2); c.368C>T, p.Thr123Ile (NM_001347707.2, NM_001347708.2); short protein forms T123I, T321I, T306I, T162I.
Identifiers: ClinVar variation 3675709 (VCV003675709.2).
Genomic context (GRCh38, chr8:27,463,481, plus strand): 5'-AGGGTGACGAAGATCATGGTGAACAGCAGGTACTCGCCGATGAGCGGGATGACCAGCGAG[G>A]TGGACGGGATGATCTCAGTGATGAGCAGCAGGAAGACGGTGAGTGACAGCAGCACCGAAA-3'
Protein context (NP_000733.2, residues 311-331): LLLITEIIPS[Thr321Ile]SLVIPLIGEY

ClinVar aggregate classification (germline): Uncertain significance (1 of 4 stars; one submission).

Conditions:
Familial sleep-related hypermotor epilepsy. Also called: Autosomal Dominant Sleep-Related Hypermotor (Hyperkinetic) Epilepsy. Identifiers: Orphanet 98784, MedGen C3696898, MONDO:0000030.

gnomAD v4.1: 1 of 1,614,246 alleles (0.000062%); no homozygotes.

Submission:

Labcorp Genetics (formerly Invitae), Labcorp
Classification: Uncertain significance. Last evaluated: 2024-05-17. Review status: criteria provided, single submitter. Criteria: Invitae Variant Classification Sherloc (09022015). Collection method: clinical testing. Allele origin: germline.
Comment: This sequence change replaces threonine, which is neutral and polar, with isoleucine, which is neutral and non-polar, at codon 321 of the CHRNA2 protein (p.Thr321Ile). This variant is not present in population databases (gnomAD no frequency). This variant has not been reported in the literature in individuals affected with CHRNA2-related conditions. Advanced modeling of protein sequence and biophysical properties (such as structural, functional, and spatial information, amino acid conservation, physicochemical variation, residue mobility, and thermodynamic stability) performed at Invitae indicates that this missense variant is expected to disrupt CHRNA2 protein function with a positive predictive value of 80%. In summary, the available evidence is currently insufficient to determine the role of this variant in disease. Therefore, it has been classified as a Variant of Uncertain Significance.